The following is an entry in ClinVar:

NM_001267550.2(TTN):c.54188A>G (p.Tyr18063Cys)

Genes: TTN (titin; minus strand), TTN-AS1 (TTN antisense RNA 1; plus strand). Cytogenetic location: 2q31.2.
Variant type: single nucleotide variant.
Coding change: c.54188A>G on transcript NM_001267550.2 (MANE Select); coding-DNA position 54188, A replaced by G.
Protein change: p.Tyr18063Cys; replaces tyrosine 18063 with cysteine.
Molecular consequence: missense variant. On other transcripts: non-coding transcript variant (1).
Genome position (GRCh38, 1-based): chr2:178,604,989, T>C on the plus strand (A>G on the coding strand, the complement: TTN is on the minus strand). VCF-style: chr2-178604989-T-C. GRCh37 (hg19) VCF-style: chr2-179469716-T-C.
Other names: c.46484A>G, p.Tyr15495Cys (NM_133378.4); c.49265A>G, p.Tyr16422Cys (NM_001256850.1); c.26993A>G, p.Tyr8998Cys (NM_003319.4); c.27368A>G, p.Tyr9123Cys (NM_133432.3); c.27569A>G, p.Tyr9190Cys (NM_133437.4); short protein forms Y18063C, Y15495C, Y9123C, Y16422C, Y8998C, Y9190C.
Identifiers: ClinVar variation 47085 (VCV000047085.9), dbSNP rs397517617, ClinGen allele CA139963.

ClinVar aggregate classification (germline): Uncertain significance. Review status: criteria provided, multiple submitters, no conflicts (2 of 4 stars). 2 submissions from 2 submitters: Uncertain significance (2). Last evaluated 2017-01-18.

Allele frequency attached by ClinVar (database versions not stated): gnomAD exomes below 0.00001; TOPMed below 0.00001; gnomAD 0.00001.
gnomAD v4.1: 4 of 1,593,728 alleles (0.00025%); highest among the groups gnomAD compares: Non-Finnish European, 0.00026%; no homozygotes.

Submissions (2):

Eurofins Ntd Llc (ga)
Classification: Uncertain significance. Last evaluated: 2017-01-18. Review status: criteria provided, single submitter. Criteria: EGL Classification Definitions 2015. Collection method: clinical testing. Allele origin: germline. Observed: 1 variant allele, 1 heterozygote.

Laboratory for Molecular Medicine, Mass General Brigham Personalized Medicine
Classification: Uncertain significance. Last evaluated: 2012-10-03. Review status: criteria provided, single submitter. Criteria: LMM Criteria. Collection method: clinical testing. Allele origin: germline. Observed: 1 variant allele.
Comment: The Tyr15495Cys variant in TTN has not been reported in the literature nor previ ously identified by our laboratory. Computational analyses (biochemical amino ac id properties, conservation, AlignGVGD, and SIFT) suggest that this variant may impact the protein, though this information is not predictive enough to determin e pathogenicity. In addition, this variant is located in the 5' splice region an d may also impact the protein through a slice effect though additional studies a re needed to determine if splicing is altered. In summary, additional informatio n is needed to fully assess the clinical significance of this variant.